The following is an entry in ClinVar:

ClinVar aggregate classification (germline): Uncertain significance (1 of 4 stars; one submission).

Allele frequency attached by ClinVar (database versions not stated): gnomAD 0.00001; TOPMed 0.00001.
gnomAD v4.1: 3 of 1,613,702 alleles (0.00019%); highest among the groups gnomAD compares: African/African-American, 0.0013%; no homozygotes.

Submission:

Labcorp Genetics (formerly Invitae), Labcorp
Classification: Uncertain significance. Last evaluated: 2024-11-04. Review status: criteria provided, single submitter. Criteria: Invitae Variant Classification Sherloc (09022015). Collection method: clinical testing. Allele origin: germline.
Comment: This sequence change replaces tyrosine, which is neutral and polar, with histidine, which is basic and polar, at codon 691 of the PDE6A protein (p.Tyr691His). This variant is not present in population databases (gnomAD no frequency). This variant has not been reported in the literature in individuals affected with PDE6A-related conditions. ClinVar contains an entry for this variant (Variation ID: 1970836). Invitae Evidence Modeling of protein sequence and biophysical properties (such as structural, functional, and spatial information, amino acid conservation, physicochemical variation, residue mobility, and thermodynamic stability) has been performed for this missense variant. However, the output from this modeling did not meet the statistical confidence thresholds required to predict the impact of this variant on PDE6A protein function. In summary, the available evidence is currently insufficient to determine the role of this variant in disease. Therefore, it has been classified as a Variant of Uncertain Significance.

NM_000440.3(PDE6A):c.2071T>C (p.Tyr691His)

Gene: PDE6A (phosphodiesterase 6A; minus strand). Cytogenetic location: 5q32.
Variant type: single nucleotide variant.
Coding change: c.2071T>C on transcript NM_000440.3 (MANE Select); coding-DNA position 2071, T replaced by C.
Protein change: p.Tyr691His; replaces tyrosine 691 with histidine.
Molecular consequence: missense variant.
Genome position (GRCh38, 1-based): chr5:149,883,493, A>G on the plus strand (T>C on the coding strand, the complement: PDE6A is on the minus strand). VCF-style: chr5-149883493-A-G. GRCh37 (hg19) VCF-style: chr5-149263056-A-G.
Other names: c.1828T>C, p.Tyr610His (NM_001410788.1); short protein forms Y691H, Y610H.
Identifiers: ClinVar variation 1970836 (VCV001970836.4), dbSNP rs1761008290, ClinGen allele CA361692535.